The following is an entry in ClinVar:

ClinVar aggregate classification (germline): Uncertain significance (1 of 4 stars; one submission).

gnomAD v4.1: 3 of 1,614,136 alleles (0.00019%); highest among the groups gnomAD compares: African/African-American, 0.0013%; no homozygotes.

Submission:

Labcorp Genetics (formerly Invitae), Labcorp
Classification: Uncertain significance. Last evaluated: 2025-02-07. Review status: criteria provided, single submitter. Criteria: Invitae Variant Classification Sherloc (09022015). Collection method: clinical testing. Allele origin: germline.
Comment: This sequence change replaces tyrosine, which is neutral and polar, with cysteine, which is neutral and slightly polar, at codon 1014 of the FLNB protein (p.Tyr1014Cys). This variant is not present in population databases (gnomAD no frequency). This variant has not been reported in the literature in individuals affected with FLNB-related conditions. Invitae Evidence Modeling of protein sequence and biophysical properties (such as structural, functional, and spatial information, amino acid conservation, physicochemical variation, residue mobility, and thermodynamic stability) has been performed for this missense variant. However, the output from this modeling did not meet the statistical confidence thresholds required to predict the impact of this variant on FLNB protein function. In summary, the available evidence is currently insufficient to determine the role of this variant in disease. Therefore, it has been classified as a Variant of Uncertain Significance.

NM_001457.4(FLNB):c.3041A>G (p.Tyr1014Cys)

Gene: FLNB (filamin B; plus strand). Cytogenetic location: 3p14.3.
Variant type: single nucleotide variant.
Coding change: c.3041A>G on transcript NM_001457.4 (MANE Select); coding-DNA position 3041, A replaced by G.
Protein change: p.Tyr1014Cys; replaces tyrosine 1014 with cysteine.
Molecular consequence: missense variant.
Genome position (GRCh38, 1-based): chr3:58,121,418, A>G. VCF-style: chr3-58121418-A-G. GRCh37 (hg19) VCF-style: chr3-58107145-A-G.
Other names: c.3041A>G, p.Tyr1014Cys (NM_001164318.2, NM_001164319.2, NM_001164317.2); short protein forms Y1014C.
Identifiers: ClinVar variation 4768656 (VCV004768656.1).
Genomic context (GRCh38, chr3:58,121,418, plus strand): 5'-CACCTGTGACAGGCCGGGAGAACAGCACGGCCAAGTTCATCCCTCGGGAGGAGGGGCTGT[A>G]TGCTGTAGACGTGACCTACGATGGACACCCTGTGCCCGGGAGCCCCTACACAGTGGAGGC-3'
Protein context (NP_001448.2, residues 1004-1024): AKFIPREEGL[Tyr1014Cys]AVDVTYDGHP